The following is an entry in ClinVar:

NM_002292.4(LAMB2):c.4816A>G (p.Thr1606Ala)

Gene: LAMB2 (laminin subunit beta 2; minus strand). Cytogenetic location: 3p21.31.
Variant type: single nucleotide variant.
Coding change: c.4816A>G on transcript NM_002292.4 (MANE Select); coding-DNA position 4816, A replaced by G.
Protein change: p.Thr1606Ala; replaces threonine 1606 with alanine.
Molecular consequence: missense variant.
Genome position (GRCh38, 1-based): chr3:49,122,051, T>C on the plus strand (A>G on the coding strand, the complement: LAMB2 is on the minus strand). VCF-style: chr3-49122051-T-C. GRCh37 (hg19) VCF-style: chr3-49159484-T-C.
Other names: short protein forms T1606A.
Identifiers: ClinVar variation 1994141 (VCV001994141.4), dbSNP rs2472513587, ClinGen allele CA352687920.

ClinVar aggregate classification (germline): Uncertain significance (1 of 4 stars; one submission).

Conditions:
Pierson syndrome. Also called: MICROCORIA-CONGENITAL NEPHROTIC SYNDROME. Identifiers: Orphanet 2670, MedGen C1836876, MONDO:0012184, OMIM 609049.
LAMB2-related infantile-onset nephrotic syndrome. Also called: Nephrotic Syndrome, type 5; NEPHROTIC SYNDROME, TYPE 5, WITHOUT OCULAR ABNORMALITIES; NEPHROTIC SYNDROME, TYPE 5, WITH OCULAR ABNORMALITIES. Identifiers: Orphanet 306507, MedGen C3280113, MONDO:0013621, OMIM 614199.

Submission:

Labcorp Genetics (formerly Invitae), Labcorp
Classification: Uncertain significance for LAMB2-related infantile-onset nephrotic syndrome; Pierson syndrome. Last evaluated: 2022-05-13. Review status: criteria provided, single submitter. Criteria: Invitae Variant Classification Sherloc (09022015). Collection method: clinical testing. Allele origin: germline.
Comment: Algorithms developed to predict the effect of missense changes on protein structure and function (SIFT, PolyPhen-2, Align-GVGD) all suggest that this variant is likely to be tolerated. This variant has not been reported in the literature in individuals affected with LAMB2-related conditions. This variant is not present in population databases (gnomAD no frequency). This sequence change replaces threonine, which is neutral and polar, with alanine, which is neutral and non-polar, at codon 1606 of the LAMB2 protein (p.Thr1606Ala). In summary, the available evidence is currently insufficient to determine the role of this variant in disease. Therefore, it has been classified as a Variant of Uncertain Significance.